The following is an entry in ClinVar:

ClinVar aggregate classification (germline): Likely benign. Review status: criteria provided, multiple submitters, no conflicts (2 of 4 stars). 3 submissions from 3 submitters: Likely benign (3). Last evaluated 2025-12-20.

Conditions:
ADCY3-related disorder. Also called: ADCY3-related condition.

Allele frequency attached by ClinVar (database versions not stated): 1000 Genomes Project 0.00020; 1000 Genomes Project 30x 0.00031; ESP Exome Variant Server 0.00031; gnomAD exomes 0.00035; gnomAD 0.00044; TOPMed 0.00045; ExAC 0.00053.
gnomAD v4.1: 623 of 1,607,768 alleles (0.039%); highest among the groups gnomAD compares: Middle Eastern, 0.96%; 1 homozygote.

Submissions (3):

Labcorp Genetics (formerly Invitae), Labcorp
Classification: Likely benign. Last evaluated: 2025-12-20. Review status: criteria provided, single submitter. Criteria: Invitae Variant Classification Sherloc (09022015). Collection method: clinical testing. Allele origin: germline.

PreventionGenetics, part of Exact Sciences
Classification: Likely benign for ADCY3-related condition. Last evaluated: 2024-12-23. Review status: criteria provided, single submitter. Criteria: ACMG Guidelines, 2015. Collection method: clinical testing. Allele origin: germline.
Comment: This variant is classified as likely benign based on ACMG/AMP sequence variant interpretation guidelines (Richards et al. 2015 PMID: 25741868, with internal and published modifications).

Blueprint Genetics
Classification: Likely benign. Last evaluated: 2024-11-22. Review status: criteria provided, single submitter. Criteria: ACMG Guidelines, 2015. Collection method: clinical testing. Allele origin: germline.

NM_004036.5(ADCY3):c.2056-10T>C

Gene: ADCY3 (adenylate cyclase 3; minus strand). Cytogenetic location: 2p23.3.
Variant type: single nucleotide variant.
Coding change: c.2056-10T>C on transcript NM_004036.5 (MANE Select); 10 bases into the intron before coding-DNA position 2056, T replaced by C.
Molecular consequence: intron variant.
Genome position (GRCh38, 1-based): chr2:24,830,835, A>G on the plus strand (T>C on the coding strand, the complement: ADCY3 is on the minus strand). VCF-style: chr2-24830835-A-G. GRCh37 (hg19) VCF-style: chr2-25053704-A-G.
Other names: c.2056-10T>C (NM_001377130.1, NM_001377129.1, NM_001320613.2 and 2 more transcripts); c.2122-10T>C (NM_001377128.1); c.1333-10T>C (NM_001377131.1).
Identifiers: ClinVar variation 2142358 (VCV002142358.6), dbSNP rs80261757, ClinGen allele CA1553885.